The following is an entry in ClinVar:

ClinVar aggregate classification (germline): Likely pathogenic. Review status: criteria provided, multiple submitters, no conflicts (2 of 4 stars). 2 submissions from 2 submitters: Likely pathogenic (2). Last evaluated 2025-06-05.

Conditions:
Craniofrontonasal syndrome (CFNS). Also called: CRANIOFRONTONASAL DYSOSTOSIS. Identifiers: Orphanet 1520, MedGen C0220767, MONDO:0010570, OMIM 304110.

Submissions (2):

Institute of Human Genetics, Heidelberg University
Classification: Likely pathogenic for Craniofrontonasal syndrome. Last evaluated: 2025-06-05. Review status: criteria provided, single submitter. Criteria: ACMG Guidelines, 2015. Collection method: clinical testing. Allele origin: de novo. Affected: yes. Observed: 1 variant allele.
Comment: PVS1_strong, PS2_strong, PM2_supp

Genetic Services Laboratory, University of Chicago
Classification: Likely pathogenic for Craniofrontonasal dysplasia. Last evaluated: 2017-04-05. Review status: criteria provided, single submitter. Criteria: ACMG Guidelines, 2015. Collection method: clinical testing. Allele origin: germline. Affected: yes.

NM_004429.5(EFNB1):c.523C>T (p.Gln175Ter)

Gene: EFNB1 (ephrin B1; plus strand). Cytogenetic location: Xq13.1.
Variant type: single nucleotide variant.
Coding change: c.523C>T on transcript NM_004429.5 (MANE Select); coding-DNA position 523, C replaced by T.
Protein change: p.Gln175Ter; replaces glutamine 175 with a stop codon.
Molecular consequence: nonsense.
Genome position (GRCh38, 1-based): chrX:68,839,983, C>T. VCF-style: chrX-68839983-C-T. GRCh37 (hg19) VCF-style: chrX-68059826-C-T.
Other names: short protein forms Q175*.
Identifiers: ClinVar variation 435029 (VCV000435029.7), dbSNP rs1556107856, ClinGen allele CA413438152.